The following is an entry in ClinVar:

ClinVar aggregate classification (germline): Likely benign. Review status: criteria provided, single submitter (1 of 4 stars). 2 submissions from 2 submitters: Likely benign (1). 1 of the submissions does not count toward it. Last evaluated 2018-07-16.

Conditions:
MYCBP2-related disorder. Also called: MYCBP2-related condition.

Allele frequency attached by ClinVar (database versions not stated): 1000 Genomes Project 0.00040; 1000 Genomes Project 30x 0.00062; gnomAD exomes 0.00220 and 0.00265; TOPMed 0.00234; ExAC 0.00239; gnomAD 0.00243 and 0.00247; ESP Exome Variant Server 0.00300.
gnomAD v4.1: 4,222 of 1,612,264 alleles (0.26%); highest among the groups gnomAD compares: Non-Finnish European, 0.31%; 6 homozygotes.

Submissions (2):

Labcorp Genetics (formerly Invitae), Labcorp
Classification: Likely benign. Last evaluated: 2018-07-16. Review status: criteria provided, single submitter. Criteria: Invitae Variant Classification Sherloc (09022015). Collection method: clinical testing. Allele origin: germline.

PreventionGenetics, part of Exact Sciences
Classification: Likely benign for MYCBP2-related condition. Last evaluated: 2019-02-26. Review status: no assertion criteria provided. Collection method: clinical testing. Allele origin: germline. Not counted in ClinVar's aggregate classification.
Comment: This variant is classified as likely benign based on ACMG/AMP sequence variant interpretation guidelines (Richards et al. 2015 PMID: 25741868, with internal and published modifications).

NM_015057.5(MYCBP2):c.13647+4T>A

Gene: MYCBP2 (MYC binding protein 2; minus strand). Cytogenetic location: 13q22.3.
Variant type: single nucleotide variant.
Coding change: c.13647+4T>A on transcript NM_015057.5 (MANE Select); 4 bases into the intron after coding-DNA position 13647, T replaced by A.
Molecular consequence: intron variant.
Genome position (GRCh38, 1-based): chr13:77,055,554, A>T on the plus strand (T>A on the coding strand, the complement: MYCBP2 is on the minus strand). VCF-style: chr13-77055554-A-T. GRCh37 (hg19) VCF-style: chr13-77629689-A-T.
Identifiers: ClinVar variation 718182 (VCV000718182.5), dbSNP rs200563433, ClinGen allele CA7007618.